The following is an entry in ClinVar:

ClinVar aggregate classification (germline): Likely benign. Review status: criteria provided, multiple submitters, no conflicts (2 of 4 stars). 3 submissions from 3 submitters: Likely benign (3). Last evaluated 2025-08-02.

Conditions:
Cardiovascular phenotype. Identifiers: MedGen CN230736.
Dilated cardiomyopathy 1G (CMD1G). Identifiers: Orphanet 154, MedGen C1858763, MONDO:0011400, OMIM 604145.
Autosomal recessive limb-girdle muscular dystrophy type 2J (LGMDR10). Also called: Limb-girdle muscular dystrophy, type 2J; MUSCULAR DYSTROPHY, LIMB-GIRDLE, AUTOSOMAL RECESSIVE 10. Identifiers: Orphanet 140922, MedGen C1837342, MONDO:0012127, OMIM 608807.

Allele frequency attached by ClinVar (database versions not stated): gnomAD exomes below 0.00001 and 0.00001; gnomAD 0.00001.
gnomAD v4.1: 7 of 1,614,028 alleles (0.00043%); highest among the groups gnomAD compares: Non-Finnish European, 0.00059%; no homozygotes.

Submissions (3):

Labcorp Genetics (formerly Invitae), Labcorp
Classification: Likely benign for Dilated cardiomyopathy 1G; Autosomal recessive limb-girdle muscular dystrophy type 2J. Last evaluated: 2025-08-02. Review status: criteria provided, single submitter. Criteria: Invitae Variant Classification Sherloc (09022015). Collection method: clinical testing. Allele origin: germline.

Ambry Genetics
Classification: Likely benign for Cardiovascular phenotype. Last evaluated: 2024-11-18. Review status: criteria provided, single submitter. Criteria: Ambry Variant Classification Scheme 2023. Collection method: clinical testing. Allele origin: germline.

Laboratory for Molecular Medicine, Mass General Brigham Personalized Medicine
Classification: Likely benign. Last evaluated: 2013-09-06. Review status: criteria provided, single submitter. Criteria: LMM Criteria. Collection method: clinical testing. Allele origin: germline. Observed: 1 variant allele.
Comment: Leu2764Leu in exon 35 of TTN: This variant is not expected to have clinical sign ificance because it does not alter an amino acid residue and is not located with in the splice consensus sequence. Leu2764Leu in exon 35 of TTN (allele frequenc y = n/a)

NM_001267550.2(TTN):c.8292G>A (p.Leu2764=)

Gene: TTN (titin; minus strand). Cytogenetic location: 2q31.2.
Variant type: single nucleotide variant.
Coding change: c.8292G>A on transcript NM_001267550.2 (MANE Select); coding-DNA position 8292, G replaced by A.
Protein change: p.Leu2764=; no amino-acid change (leucine 2764 retained).
Molecular consequence: synonymous variant.
Genome position (GRCh38, 1-based): chr2:178,770,500, C>T on the plus strand (G>A on the coding strand, the complement: TTN is on the minus strand). VCF-style: chr2-178770500-C-T. GRCh37 (hg19) VCF-style: chr2-179635227-C-T.
Other names: c.8292G>A, p.Leu2764= (NM_001256850.1, NM_133379.5, NM_133378.4); c.8154G>A, p.Leu2718= (NM_003319.4, NM_133432.3, NM_133437.4).
Identifiers: ClinVar variation 166305 (VCV000166305.26), dbSNP rs727503687, ClinGen allele CA179250.